The following is an entry in ClinVar:

NM_000136.3(FANCC):c.1072+5G>A

Genes: AOPEP (aminopeptidase O (putative); plus strand), FANCC (FA complementation group C; minus strand). Cytogenetic location: 9q22.32.
Variant type: single nucleotide variant.
Coding change: c.1072+5G>A on transcript NM_000136.3 (MANE Select); 5 bases into the intron after coding-DNA position 1072, G replaced by A.
Molecular consequence: intron variant.
Genome position (GRCh38, 1-based): chr9:95,117,310, C>T on the plus strand (G>A on the coding strand, the complement: FANCC is on the minus strand). VCF-style: chr9-95117310-C-T. GRCh37 (hg19) VCF-style: chr9-97879592-C-T.
Other names: c.1072+5G>A (NM_001243743.2, NM_001243744.2).
Identifiers: ClinVar variation 2160339 (VCV002160339.4), dbSNP rs774613862, ClinGen allele CA2580080718.

ClinVar aggregate classification (germline): Uncertain significance (1 of 4 stars; one submission).

Conditions:
Fanconi anemia (FA). Also called: Fanconi's anemia. Identifiers: Orphanet 84, MedGen C0015625, MeSH D005199, MONDO:0019391.

Allele frequency attached by ClinVar (database versions not stated): gnomAD exomes below 0.00001.
gnomAD v4.1: 1 of 1,613,824 alleles (0.000062%); highest among the groups gnomAD compares: Non-Finnish European, 0.000085%; no homozygotes.

Submission:

Labcorp Genetics (formerly Invitae), Labcorp
Classification: Uncertain significance for Fanconi anemia. Last evaluated: 2023-05-23. Review status: criteria provided, single submitter. Criteria: Invitae Variant Classification Sherloc (09022015). Collection method: clinical testing. Allele origin: germline.
Comment: ClinVar contains an entry for this variant (Variation ID: 2160339). This variant has not been reported in the literature in individuals affected with FANCC-related conditions. This variant is not present in population databases (gnomAD no frequency). This sequence change falls in intron 11 of the FANCC gene. It does not directly change the encoded amino acid sequence of the FANCC protein. It affects a nucleotide within the consensus splice site. In summary, the available evidence is currently insufficient to determine the role of this variant in disease. Therefore, it has been classified as a Variant of Uncertain Significance. Variants that disrupt the consensus splice site are a relatively common cause of aberrant splicing (PMID: 17576681, 9536098). Algorithms developed to predict the effect of sequence changes on RNA splicing suggest that this variant may disrupt the consensus splice site.

Literature cited by the submitters: PubMed 17576681; PubMed 9536098.